The following is an entry in ClinVar:

ClinVar aggregate classification (germline): Uncertain significance (1 of 4 stars; one submission).

Conditions:
Generalized epilepsy-paroxysmal dyskinesia syndrome (PNKD3). Also called: Generalized epilepsy and paroxysmal dyskinesia; Paroxysmal nonkinesigenic dyskinesia, 3, with or without generalized epilepsy. Identifiers: Orphanet 79137, MedGen C5574945, MONDO:0012276, OMIM 609446.

gnomAD v4.1: 2 of 1,611,774 alleles (0.00012%); highest among the groups gnomAD compares: South Asian, 0.0011%; no homozygotes.

Submission:

Labcorp Genetics (formerly Invitae), Labcorp
Classification: Uncertain significance for Generalized epilepsy-paroxysmal dyskinesia syndrome. Last evaluated: 2022-03-04. Review status: criteria provided, single submitter. Criteria: Invitae Variant Classification Sherloc (09022015). Collection method: clinical testing. Allele origin: germline.
Comment: In summary, the available evidence is currently insufficient to determine the role of this variant in disease. Therefore, it has been classified as a Variant of Uncertain Significance. Algorithms developed to predict the effect of missense changes on protein structure and function (SIFT, PolyPhen-2, Align-GVGD) all suggest that this variant is likely to be tolerated. This variant has not been reported in the literature in individuals affected with KCNMA1-related conditions. This variant is present in population databases (no rsID available, gnomAD 0.0009%). This sequence change replaces threonine, which is neutral and polar, with asparagine, which is neutral and polar, at codon 1089 of the KCNMA1 protein (p.Thr1089Asn).

NM_001161352.2(KCNMA1):c.3440C>A (p.Thr1147Asn)

Genes: KCNMA1-AS1 (KCNMA1 antisense RNA 1; plus strand), KCNMA1 (potassium calcium-activated channel subfamily M alpha 1; minus strand). Cytogenetic location: 10q22.3.
Variant type: single nucleotide variant.
Coding change: c.3440C>A on transcript NM_001161352.2 (MANE Select); coding-DNA position 3440, C replaced by A.
Protein change: p.Thr1147Asn; replaces threonine 1147 with asparagine.
Molecular consequence: missense variant.
Genome position (GRCh38, 1-based): chr10:76,889,472, G>T on the plus strand (C>A on the coding strand, the complement: KCNMA1 is on the minus strand). VCF-style: chr10-76889472-G-T. GRCh37 (hg19) VCF-style: chr10-78649230-G-T.
Other names: c.3278C>A, p.Thr1093Asn (NM_001014797.3); c.3389C>A, p.Thr1130Asn (NM_001161353.2); c.3116C>A, p.Thr1039Asn (NM_001271518.2); c.3356C>A, p.Thr1119Asn (NM_001271519.2); c.3275C>A, p.Thr1092Asn (NM_001322829.2, NM_001322836.2); c.3368C>A, p.Thr1123Asn (NM_001322830.2); c.3266C>A, p.Thr1089Asn (NM_001322832.2, NM_001410940.1, NM_002247.4); c.3359C>A, p.Thr1120Asn (NM_001322835.2, NM_001322837.2); and 1 more; short protein forms T1092N, T1089N, T1123N, T1130N, T1039N, T1093N, T1119N, T1120N.
Identifiers: ClinVar variation 1936260 (VCV001936260.5), dbSNP rs1253143924, ClinGen allele CA377403039.